The following is an entry in ClinVar:

NM_004064.5(CDKN1B):c.208dup (p.Leu70fs)

Gene: CDKN1B (cyclin dependent kinase inhibitor 1B; plus strand). Cytogenetic location: 12p13.1.
Variant type: Duplication.
Coding change: c.208dup on transcript NM_004064.5 (MANE Select); coding-DNA position 208, one base duplicated (C; older notation c.208dupC).
Protein change: p.Leu70fs; shifts the reading frame from leucine 70.
Molecular consequence: frameshift variant.
Genome position (GRCh38, 1-based): chr12:12,718,047, C duplicated; the last of 4 consecutive C bases (chr12:12,718,044-12,718,047); duplicating any one gives the same sequence. VCF-style (leftmost placement, unchanged base first): chr12-12718043-A-AC. GRCh37 (hg19) VCF-style: chr12-12870977-A-AC.
Other names: short protein forms L70fs.
Identifiers: ClinVar variation 3223674 (VCV003223674.1), dbSNP rs2497404569, ClinGen allele CA2825002045.

ClinVar aggregate classification (germline): Pathogenic (1 of 4 stars; one submission).

Conditions:
Hereditary cancer-predisposing syndrome. Also called: Tumor predisposition; Hereditary neoplastic syndrome; Hereditary Cancer Syndrome; Neoplastic Syndromes, Hereditary. Identifiers: Orphanet 140162, MedGen C0027672, MeSH D009386, MONDO:0015356.

Submission:

Ambry Genetics
Classification: Pathogenic for Hereditary cancer-predisposing syndrome. Last evaluated: 2024-01-16. Review status: criteria provided, single submitter. Criteria: Ambry Variant Classification Scheme 2023. Collection method: clinical testing. Allele origin: germline.
Comment: The c.208dupC pathogenic mutation, located in coding exon 1 of the CDKN1B gene, results from a duplication of C at nucleotide position 208, causing a translational frameshift with a predicted alternate stop codon (p.L70Pfs*55). This alteration is expected to result in loss of function by premature protein truncation or nonsense-mediated mRNA decay. As such, this alteration is interpreted as a disease-causing mutation.